The following is an entry in ClinVar:

NM_014629.4(ARHGEF10):c.3170C>G (p.Ala1057Gly)

Gene: ARHGEF10 (Rho guanine nucleotide exchange factor 10; plus strand). Cytogenetic location: 8p23.3.
Variant type: single nucleotide variant.
Coding change: c.3170C>G on transcript NM_014629.4 (MANE Select); coding-DNA position 3170, C replaced by G.
Protein change: p.Ala1057Gly; replaces alanine 1057 with glycine.
Molecular consequence: missense variant.
Genome position (GRCh38, 1-based): chr8:1,933,890, C>G. VCF-style: chr8-1933890-C-G. GRCh37 (hg19) VCF-style: chr8-1882056-C-G.
Other names: c.3056C>G, p.Ala1019Gly (NM_001308152.2, NM_001438094.1); c.3170C>G, p.Ala1057Gly (NM_001308153.3); c.3173C>G, p.Ala1058Gly (NM_001438091.1); c.3053C>G, p.Ala1018Gly (NM_001438092.1, NM_001438093.1); short protein forms A1018G, A1058G, A1019G, A1057G, A1081G.
Identifiers: ClinVar variation 4767796 (VCV004767796.1).

ClinVar aggregate classification (germline): Uncertain significance (1 of 4 stars; one submission).

Submission:

Labcorp Genetics (formerly Invitae), Labcorp
Classification: Uncertain significance. Last evaluated: 2025-12-29. Review status: criteria provided, single submitter. Criteria: Invitae Variant Classification Sherloc (09022015). Collection method: clinical testing. Allele origin: germline.
Comment: This sequence change replaces alanine, which is neutral and non-polar, with glycine, which is neutral and non-polar, at codon 1057 of the ARHGEF10 protein (p.Ala1057Gly). This variant is not present in population databases (gnomAD no frequency). This variant has not been reported in the literature in individuals affected with ARHGEF10-related conditions. Invitae Evidence Modeling of protein sequence and biophysical properties (such as structural, functional, and spatial information, amino acid conservation, physicochemical variation, residue mobility, and thermodynamic stability) has been performed for this missense variant. However, the output from this modeling did not meet the statistical confidence thresholds required to predict the impact of this variant on ARHGEF10 protein function. In summary, the available evidence is currently insufficient to determine the role of this variant in disease. Therefore, it has been classified as a Variant of Uncertain Significance.